The following is an entry in ClinVar:

ClinVar aggregate classification (germline): Uncertain significance. Review status: criteria provided, multiple submitters, no conflicts (2 of 4 stars). 2 submissions from 2 submitters: Uncertain significance (2). Last evaluated 2025-08-29.

Conditions:
Inborn genetic diseases. Identifiers: MedGen C0950123, MeSH D030342.

gnomAD v4.1: 5 of 1,613,994 alleles (0.00031%); highest among the groups gnomAD compares: Non-Finnish European, 0.00042%; no homozygotes.

Submissions (2):

Ambry Genetics
Classification: Uncertain significance for Inborn genetic diseases. Last evaluated: 2025-08-29. Review status: criteria provided, single submitter. Criteria: Ambry Variant Classification Scheme 2023. Collection method: clinical testing. Allele origin: germline.

GeneDx
Classification: Uncertain significance. Last evaluated: 2025-05-06. Review status: criteria provided, single submitter. Criteria: GeneDx Variant Classification Process June 2021. Collection method: clinical testing. Allele origin: germline. Affected: yes.
Comment: Not observed at significant frequency in large population cohorts (gnomAD); In silico analysis suggests that this missense variant does not alter protein structure/function; Has not been previously published as pathogenic or benign to our knowledge

NM_152722.5(HEPACAM):c.818T>C (p.Leu273Pro)

Gene: HEPACAM (hepatic and glial cell adhesion molecule; minus strand). Cytogenetic location: 11q24.2.
Variant type: single nucleotide variant.
Coding change: c.818T>C on transcript NM_152722.5 (MANE Select); coding-DNA position 818, T replaced by C.
Protein change: p.Leu273Pro; replaces leucine 273 with proline.
Molecular consequence: missense variant.
Genome position (GRCh38, 1-based): chr11:124,922,804, A>G on the plus strand (T>C on the coding strand, the complement: HEPACAM is on the minus strand). VCF-style: chr11-124922804-A-G. GRCh37 (hg19) VCF-style: chr11-124792700-A-G.
Other names: c.818T>C, p.Leu273Pro (NM_001411043.1, NM_001441320.1); short protein forms L273P.
Identifiers: ClinVar variation 4270135 (VCV004270135.2).